The following is an entry in ClinVar:

ClinVar aggregate classification (germline): Likely pathogenic (1 of 4 stars; one submission).

Conditions:
Glycogen storage disease type III (GSD3). Also called: FORBES DISEASE; Cori disease. Identifiers: Orphanet 366, MedGen C0017922, MONDO:0009291, OMIM 232400.

Submission:

Labcorp Genetics (formerly Invitae), Labcorp
Classification: Likely pathogenic for Glycogen storage disease type III. Last evaluated: 2022-04-20. Review status: criteria provided, single submitter. Criteria: Invitae Variant Classification Sherloc (09022015). Collection method: clinical testing. Allele origin: germline.
Comment: This sequence change affects a donor splice site in intron 23 of the AGL gene. It is expected to disrupt RNA splicing. Variants that disrupt the donor or acceptor splice site typically lead to a loss of protein function (PMID: 16199547), and loss-of-function variants in AGL are known to be pathogenic (PMID: 19299494). This variant is not present in population databases (gnomAD no frequency). Disruption of this splice site has been observed in individual(s) with clinical features of glycogen storage disease III (PMID: 32222031). Algorithms developed to predict the effect of sequence changes on RNA splicing suggest that this variant may disrupt the consensus splice site. In summary, the currently available evidence indicates that the variant is pathogenic, but additional data are needed to prove that conclusively. Therefore, this variant has been classified as Likely Pathogenic.

Literature cited by the submitters: PubMed 16199547; PubMed 19299494; PubMed 32222031.

NM_000642.3(AGL):c.3083+1G>A

Gene: AGL (amylo-alpha-1,6-glucosidase and 4-alpha-glucanotransferase; plus strand). Cytogenetic location: 1p21.2.
Variant type: single nucleotide variant.
Coding change: c.3083+1G>A on transcript NM_000642.3 (MANE Select); the canonical splice donor site of the intron after coding-DNA position 3083, G replaced by A.
Molecular consequence: splice donor variant.
Genome position (GRCh38, 1-based): chr1:99,891,740, G>A. VCF-style: chr1-99891740-G-A. GRCh37 (hg19) VCF-style: chr1-100357296-G-A.
Other names: c.3035+1G>A (NM_000646.3); c.3062+1G>A (NM_001425326.1); c.2882+1G>A (NM_001425327.1); c.3083+1G>A (NM_000643.3, NM_000644.3, NM_001425325.1 and 1 more transcripts); c.2879+1G>A (NM_001425328.1); c.2744+1G>A (NM_001425329.1); c.2705+1G>A (NM_001425332.1).
Identifiers: ClinVar variation 1485881 (VCV001485881.6), dbSNP rs2100790188, ClinGen allele CA341326408.